The following is an entry in ClinVar:

NM_004360.5(CDH1):c.1285C>T (p.Pro429Ser)

Gene: CDH1 (cadherin 1; plus strand). Cytogenetic location: 16q22.1.
Variant type: single nucleotide variant.
Coding change: c.1285C>T on transcript NM_004360.5 (MANE Select); coding-DNA position 1285, C replaced by T.
Protein change: p.Pro429Ser; replaces proline 429 with serine.
Molecular consequence: missense variant. On other transcripts: 5 prime UTR variant (2), intron variant (1).
Genome position (GRCh38, 1-based): chr16:68,813,460, C>T. VCF-style: chr16-68813460-C-T. GRCh37 (hg19) VCF-style: chr16-68847363-C-T.
Other names: c.-331C>T (NM_001317185.2); c.-535C>T (NM_001317186.2); c.1137+1197C>T (NM_001317184.2); short protein forms P429S.
Identifiers: ClinVar variation 835060 (VCV000835060.10), dbSNP rs1597896121, ClinGen allele CA396461771.
Genomic context (GRCh38, chr16:68,813,460, plus strand): 5'-TGGGAGGCTGTATACACCATATTGAATGATGATGGTGGACAATTTGTCGTCACCACAAAT[C>T]CAGTGAACAACGATGGCATTTTGAAAACAGCAAAGGTTTGTATGGTACCTGGCAAGATGC-3'
Protein context (NP_004351.1, residues 419-439): DGGQFVVTTN[Pro429Ser]VNNDGILKTA

ClinVar aggregate classification (germline): Uncertain significance (1 of 4 stars; one submission).

Conditions:
Hereditary diffuse gastric adenocarcinoma (HDGC). Also called: DIFFUSE GASTRIC AND LOBULAR BREAST CANCER SYNDROME. Identifiers: Orphanet 26106, MedGen C1708349, MONDO:0007648, OMIM 137215.

Submission:

Labcorp Genetics (formerly Invitae), Labcorp
Classification: Uncertain significance for Hereditary diffuse gastric adenocarcinoma. Last evaluated: 2019-08-22. Review status: criteria provided, single submitter. Criteria: Invitae Variant Classification Sherloc (09022015). Collection method: clinical testing. Allele origin: germline.
Comment: This variant has been observed in an individual affected with early-onset diffuse gastric cancer (PMID:16061854). This variant is not present in population databases (ExAC no frequency). This sequence change replaces proline with serine at codon 429 of the CDH1 protein (p.Pro429Ser). The proline residue is highly conserved and there is a moderate physicochemical difference between proline and serine. Algorithms developed to predict the effect of missense changes on protein structure and function are either unavailable or do not agree on the potential impact of this missense change (SIFT: "Tolerated"; PolyPhen-2: "Possibly Damaging"; Align-GVGD: "Class C0"). In summary, the available evidence is currently insufficient to determine the role of this variant in disease. Therefore, it has been classified as a Variant of Uncertain Significance.

Literature cited by the submitters: PubMed 16061854.